The following is an entry in ClinVar:

NM_005751.5(AKAP9):c.10653G>C (p.Gln3551His)

Gene: AKAP9 (A-kinase anchoring protein 9; plus strand). Cytogenetic location: 7q21.2.
Variant type: single nucleotide variant.
Coding change: c.10653G>C on transcript NM_005751.5 (MANE Select); coding-DNA position 10653, G replaced by C.
Protein change: p.Gln3551His; replaces glutamine 3551 with histidine.
Molecular consequence: missense variant.
Genome position (GRCh38, 1-based): chr7:92,098,154, G>C. VCF-style: chr7-92098154-G-C. GRCh37 (hg19) VCF-style: chr7-91727468-G-C.
Other names: c.5298G>C, p.Gln1766His (NM_001379277.1); c.10629G>C, p.Gln3543His (NM_147185.3); short protein forms Q3543H, Q3551H, Q1766H.
Identifiers: ClinVar variation 1381608 (VCV001381608.6), dbSNP rs2130904180, ClinGen allele CA368157633.

ClinVar aggregate classification (germline): Uncertain significance (1 of 4 stars; one submission).

Conditions:
Long QT syndrome (LQTS). Identifiers: MedGen C0023976, MeSH D008133, MONDO:0002442. Disease mechanism: loss of function. Inheritance: Various modes of inheritance.

Allele frequency attached by ClinVar (database versions not stated): gnomAD exomes below 0.00001.
gnomAD v4.1: 1 of 1,612,962 alleles (0.000062%); highest among the groups gnomAD compares: Admixed American, 0.0017%; no homozygotes.

Submission:

Labcorp Genetics (formerly Invitae), Labcorp
Classification: Uncertain significance for Long QT syndrome. Last evaluated: 2021-09-05. Review status: criteria provided, single submitter. Criteria: Invitae Variant Classification Sherloc (09022015). Collection method: clinical testing. Allele origin: germline.
Comment: In summary, the available evidence is currently insufficient to determine the role of this variant in disease. Therefore, it has been classified as a Variant of Uncertain Significance. This sequence change replaces glutamine with histidine at codon 3551 of the AKAP9 protein (p.Gln3551His). The glutamine residue is highly conserved and there is a small physicochemical difference between glutamine and histidine. This variant is not present in population databases (ExAC no frequency). This variant has not been reported in the literature in individuals affected with AKAP9-related conditions. Algorithms developed to predict the effect of missense changes on protein structure and function are either unavailable or do not agree on the potential impact of this missense change (SIFT: "Tolerated"; PolyPhen-2: "Possibly Damaging"; Align-GVGD: "Class C0").